The following is an entry in ClinVar:

ClinVar aggregate classification (germline): Pathogenic. Review status: criteria provided, multiple submitters, no conflicts (2 of 4 stars). 2 submissions from 2 submitters: Pathogenic (2). Last evaluated 2024-08-23.

Conditions:
Juvenile polyposis syndrome (JPS). Identifiers: Orphanet 2929, MedGen C0345893, MONDO:0017380, OMIM 174900.
Juvenile polyposis/hereditary hemorrhagic telangiectasia syndrome (JPHT). Also called: Juvenile Polyposis Syndrome / Hereditary Hemorrhagic Telangiectasia (JPS/HHT); JP/HHT SYNDROME; JUVENILE POLYPOSIS WITH HEREDITARY HEMORRHAGIC TELANGIECTASIA; POLYPOSIS, GENERALIZED JUVENILE, WITH PULMONARY ARTERIOVENOUS MALFORMATION; TELANGIECTASIA, HEREDITARY HEMORRHAGIC, WITH JUVENILE POLYPOSIS COLI. Identifiers: Orphanet 2929, MedGen C1832942, MONDO:0008278, OMIM 175050.

Submissions (2):

All of Us Research Program, National Institutes of Health
Classification: Pathogenic for Juvenile polyposis/hereditary hemorrhagic telangiectasia syndrome. Last evaluated: 2024-08-23. Review status: criteria provided, single submitter. Criteria: ACMG Guidelines, 2015. Collection method: clinical testing. Allele origin: germline. Inheritance: Autosomal dominant inheritance. Observed: 1 variant allele, 1 heterozygote.
Comment: This variant changes 1 nucleotide in exon 11 of the SMAD4 gene, creating a premature translation stop signal. This variant is expected to result in an absent or non-functional protein product. To our knowledge, this variant has not been reported in individuals affected with SMAD4-related disorders in the literature. This variant has not been identified in the general population by the Genome Aggregation Database (gnomAD). Loss of SMAD4 function is a known mechanism of disease. Based on the available evidence, this variant is classified as Pathogenic.

This study involves interpretation of variants in research participants for the purpose of population health screening. Participant phenotype was not available at the time of variant classification. Additional details can be found in publication PMID: 35346344, PMCID: PMC8962531

Labcorp Genetics (formerly Invitae), Labcorp
Classification: Pathogenic for Juvenile polyposis syndrome. Last evaluated: 2018-03-22. Review status: criteria provided, single submitter. Criteria: Invitae Variant Classification Sherloc (09022015). Collection method: clinical testing. Allele origin: germline.
Comment: This sequence change creates a premature translational stop signal (p.Gln442*) in the SMAD4 gene. It is expected to result in an absent or disrupted protein product. This variant is not present in population databases (ExAC no frequency). This variant has not been reported in the literature in individuals with SMAD4-related disease. Loss-of-function variants in SMAD4 are known to be pathogenic (PMID: 16152648, 16436638, 22810475). For these reasons, this variant has been classified as Pathogenic.

Literature cited by the submitters: PubMed 16152648 (cited by Labcorp Genetics (formerly Invitae), Labcorp); PubMed 16436638 (cited by Labcorp Genetics (formerly Invitae), Labcorp); PubMed 22810475 (cited by Labcorp Genetics (formerly Invitae), Labcorp).

NM_005359.6(SMAD4):c.1324C>T (p.Gln442Ter)

Gene: SMAD4 (SMAD family member 4; plus strand). Cytogenetic location: 18q21.2.
Variant type: single nucleotide variant.
Coding change: c.1324C>T on transcript NM_005359.6 (MANE Select); coding-DNA position 1324, C replaced by T.
Protein change: p.Gln442Ter; replaces glutamine 442 with a stop codon.
Molecular consequence: nonsense.
Genome position (GRCh38, 1-based): chr18:51,076,653, C>T. VCF-style: chr18-51076653-C-T. GRCh37 (hg19) VCF-style: chr18-48603023-C-T.
Other names: short protein forms Q442*.
Identifiers: ClinVar variation 529907 (VCV000529907.9), dbSNP rs1555687378, ClinGen allele CA402465134.